The following is an entry in ClinVar:

ClinVar aggregate classification (germline): Uncertain significance (1 of 4 stars; one submission).

Conditions:
CFB-related disorder. Also called: CFB-related condition; CFB-related disorders.

gnomAD v4.1: 4 of 1,614,018 alleles (0.00025%); highest among the groups gnomAD compares: Non-Finnish European, 0.00025%; no homozygotes.

Submission:

PreventionGenetics, part of Exact Sciences
Classification: Uncertain significance for CFB-related condition. Last evaluated: 2026-06-16. Review status: criteria provided, single submitter. Criteria: ACMG Guidelines, 2015. Collection method: clinical testing. Allele origin: germline.
Comment: The CFB c.1192C>T variant is predicted to result in the amino acid substitution p.Pro398Ser. To our knowledge, this variant has not been reported in the literature or in a large population database (gnomAD), indicating this variant is rare. At this time, the clinical significance of this variant is uncertain due to the absence of conclusive functional and genetic evidence.

NM_001710.6(CFB):c.1192C>T (p.Pro398Ser)

Gene: CFB (complement factor B; plus strand). Cytogenetic location: 6p21.33.
Variant type: single nucleotide variant.
Coding change: c.1192C>T on transcript NM_001710.6 (MANE Select); coding-DNA position 1192, C replaced by T.
Protein change: p.Pro398Ser; replaces proline 398 with serine.
Molecular consequence: missense variant.
Genome position (GRCh38, 1-based): chr6:31,949,266, C>T. VCF-style: chr6-31949266-C-T. GRCh37 (hg19) VCF-style: chr6-31917043-C-T.
Other names: short protein forms P398S.
Identifiers: ClinVar variation 4999356 (VCV004999356.1).
Genomic context (GRCh38, chr6:31,949,266, plus strand): 5'-CTTATCTCCTACCCTCATGGTCCTGTCTCTTCTGCAGGATTGCACAACATGGGCGGGGAC[C>T]CAATTACTGTCATTGATGAGATCCGGGACTTGCTATACATTGGCAAGGATCGCAAAAACC-3'
Protein context (NP_001701.2, residues 388-408): TDGLHNMGGD[Pro398Ser]ITVIDEIRDL